The following is an entry in ClinVar:

ClinVar aggregate classification (germline): Uncertain significance (1 of 4 stars; one submission).

Submission:

Centre of Medical Genetics, University Hospital Muenster
Classification: Uncertain significance. Last evaluated: 2021-12-08. Review status: criteria provided, single submitter. Criteria: ACMG Guidelines, 2015. Collection method: clinical testing. Allele origin: unknown. Affected: yes. Observed: 1 variant allele, 1 heterozygote.
Comment: ACMG categories: PM1,PM2,PP3,BP1

NM_025137.4(SPG11):c.7223T>G (p.Val2408Gly)

Gene: SPG11 (SPG11 vesicle trafficking associated, spatacsin; minus strand). Cytogenetic location: 15q21.1.
Variant type: single nucleotide variant.
Coding change: c.7223T>G on transcript NM_025137.4 (MANE Select); coding-DNA position 7223, T replaced by G.
Protein change: p.Val2408Gly; replaces valine 2408 with glycine.
Molecular consequence: missense variant.
Genome position (GRCh38, 1-based): chr15:44,563,230, A>C on the plus strand (T>G on the coding strand, the complement: SPG11 is on the minus strand). VCF-style: chr15-44563230-A-C. GRCh37 (hg19) VCF-style: chr15-44855428-A-C.
Other names: c.6884T>G, p.Val2295Gly (NM_001160227.2); c.7079T>G, p.Val2360Gly (NM_001411132.1); short protein forms V2295G, V2360G, V2408G.
Identifiers: ClinVar variation 1708430 (VCV001708430.2), dbSNP rs2505149193, ClinGen allele CA392211376.